The following is an entry in ClinVar:

NM_005045.4(RELN):c.4746T>G (p.His1582Gln)

Gene: RELN (reelin; minus strand). Cytogenetic location: 7q22.1.
Variant type: single nucleotide variant.
Coding change: c.4746T>G on transcript NM_005045.4 (MANE Select); coding-DNA position 4746, T replaced by G.
Protein change: p.His1582Gln; replaces histidine 1582 with glutamine.
Molecular consequence: missense variant.
Genome position (GRCh38, 1-based): chr7:103,566,602, A>C on the plus strand (T>G on the coding strand, the complement: RELN is on the minus strand). VCF-style: chr7-103566602-A-C. GRCh37 (hg19) VCF-style: chr7-103207049-A-C.
Other names: c.4746T>G, p.His1582Gln (NM_173054.3); short protein forms H1582Q.
Identifiers: ClinVar variation 2946258 (VCV002946258.3), dbSNP rs797045913, ClinGen allele CA368748333.

ClinVar aggregate classification (germline): Uncertain significance (1 of 4 stars; one submission).

Conditions:
Norman-Roberts syndrome (LIS2). Also called: Lissencephaly 2 (Norman-Roberts type). Identifiers: Orphanet 89844, MedGen C0796089, MONDO:0009760, OMIM 257320.
Familial temporal lobe epilepsy 7. Identifiers: Orphanet 101046, MedGen C4225327, MONDO:0014639, OMIM 616436.

Submission:

Labcorp Genetics (formerly Invitae), Labcorp
Classification: Uncertain significance for Familial temporal lobe epilepsy 7; Norman-Roberts syndrome. Last evaluated: 2023-04-06. Review status: criteria provided, single submitter. Criteria: Invitae Variant Classification Sherloc (09022015). Collection method: clinical testing. Allele origin: germline.
Comment: In summary, the available evidence is currently insufficient to determine the role of this variant in disease. Therefore, it has been classified as a Variant of Uncertain Significance. This sequence change replaces histidine, which is basic and polar, with glutamine, which is neutral and polar, at codon 1582 of the RELN protein (p.His1582Gln). This variant is not present in population databases (gnomAD no frequency). This variant has not been reported in the literature in individuals affected with RELN-related conditions. An algorithm developed to predict the effect of missense changes on protein structure and function (PolyPhen-2) suggests that this variant is likely to be disruptive.